The following is an entry in ClinVar:

NM_004304.5(ALK):c.4707dup (p.Pro1570fs)

Gene: ALK (ALK receptor tyrosine kinase; minus strand). Cytogenetic location: 2p23.2.
Variant type: Duplication.
Coding change: c.4707dup on transcript NM_004304.5 (MANE Select); coding-DNA position 4707, one base duplicated (A; older notation c.4707dupA).
Protein change: p.Pro1570fs; shifts the reading frame from proline 1570.
Molecular consequence: frameshift variant.
Genome position (GRCh38, 1-based): chr2:29,193,380, T duplicated on the plus strand (A on the coding strand, the reverse complement: ALK is on the minus strand). VCF-style (leftmost placement, unchanged base first): chr2-29193379-G-GT. GRCh37 (hg19) VCF-style: chr2-29416245-G-GT.
Other names: c.1503dup, p.Pro502fs (NM_001353765.2); short protein forms P1570fs, P502fs.
Identifiers: ClinVar variation 5034997 (VCV005034997.1).

ClinVar aggregate classification (germline): Uncertain significance (1 of 4 stars; one submission).

Conditions:
Hereditary cancer-predisposing syndrome. Also called: Hereditary Cancer Syndrome; Neoplastic Syndromes, Hereditary; Tumor predisposition; Hereditary neoplastic syndrome. Identifiers: Orphanet 140162, MedGen C0027672, MeSH D009386, MONDO:0015356.

Submission:

Ambry Genetics
Classification: Uncertain significance for Hereditary cancer-predisposing syndrome. Last evaluated: 2026-06-26. Review status: criteria provided, single submitter. Criteria: Ambry Variant Classification Scheme 2023. Collection method: clinical testing. Allele origin: germline.
Comment: The c.4707dupA variant, located in coding exon 29 of the ALK gene, results from a duplication of A at nucleotide position 4707, causing a translational frameshift with a predicted alternate stop codon (p.P1570Tfs*45). This variant occurs at the 3' terminus of the gene, is not expected to trigger nonsense-mediated mRNAdecay, and impacts the last 3.1% of the protein. The exact functional effect of this variant is unknown. Based on the available evidence, the clinical significance of this variant remains unclear.